The following is an entry in ClinVar:

NM_001868.4(CPA1):c.1073-1G>A

Gene: CPA1 (carboxypeptidase A1; plus strand). Cytogenetic location: 7q32.2.
Variant type: single nucleotide variant.
Coding change: c.1073-1G>A on transcript NM_001868.4 (MANE Select); the canonical splice acceptor site of the intron before coding-DNA position 1073, G replaced by A.
Molecular consequence: splice acceptor variant.
Genome position (GRCh38, 1-based): chr7:130,387,823, G>A. VCF-style: chr7-130387823-G-A. GRCh37 (hg19) VCF-style: chr7-130027664-G-A.
Identifiers: ClinVar variation 2753388 (VCV002753388.4), dbSNP rs2536015172, ClinGen allele CA369284165.

ClinVar aggregate classification (germline): Uncertain significance. Review status: criteria provided, multiple submitters, no conflicts (2 of 4 stars). 2 submissions from 2 submitters: Uncertain significance (2). Last evaluated 2023-08-17.

Submissions (2):

Labcorp Genetics (formerly Invitae), Labcorp
Classification: Uncertain significance. Last evaluated: 2023-08-17. Review status: criteria provided, single submitter. Criteria: Invitae Variant Classification Sherloc (09022015). Collection method: clinical testing. Allele origin: germline.
Comment: In summary, the available evidence is currently insufficient to determine the role of this variant in disease. Therefore, it has been classified as a Variant of Uncertain Significance. Variants that disrupt the consensus splice site are a relatively common cause of aberrant splicing (PMID: 17576681, 9536098). Algorithms developed to predict the effect of sequence changes on RNA splicing suggest that this variant may disrupt the consensus splice site. This variant has not been reported in the literature in individuals affected with CPA1-related conditions. This variant is not present in population databases (gnomAD no frequency). This sequence change falls in intron 9 of the CPA1 gene. It does not directly change the encoded amino acid sequence of the CPA1 protein. It affects a nucleotide within the consensus splice site.

Blueprint Genetics
Classification: Uncertain significance. Last evaluated: 2020-11-16. Review status: criteria provided, single submitter. Criteria: ACMG Guidelines, 2015. Collection method: clinical testing. Allele origin: germline.

Literature cited by the submitters: PubMed 17576681 (cited by Labcorp Genetics (formerly Invitae), Labcorp); PubMed 9536098 (cited by Labcorp Genetics (formerly Invitae), Labcorp).